The following is an entry in ClinVar:

ClinVar aggregate classification (germline): Uncertain significance (1 of 4 stars; one submission).

Conditions:
ALG6-congenital disorder of glycosylation 1C (CDG1C). Also called: CARBOHYDRATE-DEFICIENT GLYCOPROTEIN SYNDROME, TYPE I, WITH DEFICIENT GLYCOSYLATION OF DOLICHOL-LINKED OLIGOSACCHARIDE; CARBOHYDRATE-DEFICIENT GLYCOPROTEIN SYNDROME, TYPE V; Congenital disorder of glycosylation type 1C; Congenital disorder of glycosylation, type Ic; CDG Ic. Identifiers: Orphanet 79320, MedGen C2930997, MONDO:0011291, OMIM 603147.

Allele frequency attached by ClinVar (database versions not stated): gnomAD exomes below 0.00001 and 0.00002; TOPMed below 0.00001.
gnomAD v4.1: 4 of 1,597,158 alleles (0.00025%); highest among the groups gnomAD compares: Admixed American, 0.0068%; no homozygotes.

Submission:

Labcorp Genetics (formerly Invitae), Labcorp
Classification: Uncertain significance for ALG6-congenital disorder of glycosylation 1C. Last evaluated: 2022-09-01. Review status: criteria provided, single submitter. Criteria: Invitae Variant Classification Sherloc (09022015). Collection method: clinical testing. Allele origin: germline.
Comment: This sequence change replaces isoleucine, which is neutral and non-polar, with valine, which is neutral and non-polar, at codon 439 of the ALG6 protein (p.Ile439Val). This variant is present in population databases (no rsID available, gnomAD 0.01%). This variant has not been reported in the literature in individuals affected with ALG6-related conditions. ClinVar contains an entry for this variant (Variation ID: 1509834). Algorithms developed to predict the effect of missense changes on protein structure and function (SIFT, PolyPhen-2, Align-GVGD) all suggest that this variant is likely to be tolerated. In summary, the available evidence is currently insufficient to determine the role of this variant in disease. Therefore, it has been classified as a Variant of Uncertain Significance.

NM_013339.4(ALG6):c.1315A>G (p.Ile439Val)

Gene: ALG6 (ALG6 alpha-1,3-glucosyltransferase; plus strand). Cytogenetic location: 1p31.3.
Variant type: single nucleotide variant.
Coding change: c.1315A>G on transcript NM_013339.4 (MANE Select); coding-DNA position 1315, A replaced by G.
Protein change: p.Ile439Val; replaces isoleucine 439 with valine.
Molecular consequence: missense variant.
Genome position (GRCh38, 1-based): chr1:63,429,115, A>G. VCF-style: chr1-63429115-A-G. GRCh37 (hg19) VCF-style: chr1-63894786-A-G.
Other names: short protein forms I439V.
Identifiers: ClinVar variation 1509834 (VCV001509834.5), dbSNP rs1259683238, ClinGen allele CA340640715.
Genomic context (GRCh38, chr1:63,429,115, plus strand): 5'-AAATCCTTTTCCATTTCTGTGAGGAAATATCTTCCATGTTTTACATTTCTTTCCAGAATT[A>G]TACAATATTTGGTAAGTTCAATTTTTAAGAAATGACACATTTTTCAGCATGTCACTATTT-3'
Protein context (NP_037471.2, residues 429-449): LPCFTFLSRI[Ile439Val]QYLFLISVIT